The following is an entry in ClinVar:

NM_001852.4(COL9A2):c.1688C>T (p.Pro563Leu)

Gene: COL9A2 (collagen type IX alpha 2 chain; minus strand). Cytogenetic location: 1p34.2.
Variant type: single nucleotide variant.
Coding change: c.1688C>T on transcript NM_001852.4 (MANE Select); coding-DNA position 1688, C replaced by T.
Protein change: p.Pro563Leu; replaces proline 563 with leucine.
Molecular consequence: missense variant.
Genome position (GRCh38, 1-based): chr1:40,302,725, G>A on the plus strand (C>T on the coding strand, the complement: COL9A2 is on the minus strand). VCF-style: chr1-40302725-G-A. GRCh37 (hg19) VCF-style: chr1-40768397-G-A.
Other names: c.1688C>T (NM_001852.3); short protein forms P563L.
Identifiers: ClinVar variation 2895073 (VCV002895073.4), dbSNP rs200949841, ClinGen allele CA339876418.

ClinVar aggregate classification (germline): Uncertain significance. Review status: criteria provided, multiple submitters, no conflicts (2 of 4 stars). 2 submissions from 2 submitters: Uncertain significance (2). Last evaluated 2025-11-23.

Conditions:
Inborn genetic diseases. Identifiers: MedGen C0950123, MeSH D030342.

Allele frequency attached by ClinVar (database versions not stated): TOPMed below 0.00001; gnomAD exomes below 0.00001.
gnomAD v4.1: 2 of 1,574,198 alleles (0.00013%); highest among the groups gnomAD compares: Non-Finnish European, 0.00017%; no homozygotes.

Submissions (2):

Labcorp Genetics (formerly Invitae), Labcorp
Classification: Uncertain significance. Last evaluated: 2025-11-23. Review status: criteria provided, single submitter. Criteria: Invitae Variant Classification Sherloc (09022015). Collection method: clinical testing. Allele origin: germline.
Comment: This sequence change replaces proline, which is neutral and non-polar, with leucine, which is neutral and non-polar, at codon 563 of the COL9A2 protein (p.Pro563Leu). This variant is present in population databases (no rsID available, gnomAD 0.001%). This variant has not been reported in the literature in individuals affected with COL9A2-related conditions. ClinVar contains an entry for this variant (Variation ID: 2895073). Invitae Evidence Modeling of protein sequence and biophysical properties (such as structural, functional, and spatial information, amino acid conservation, physicochemical variation, residue mobility, and thermodynamic stability) indicates that this missense variant is not expected to disrupt COL9A2 protein function with a negative predictive value of 95%. In summary, the available evidence is currently insufficient to determine the role of this variant in disease. Therefore, it has been classified as a Variant of Uncertain Significance.

Ambry Genetics
Classification: Uncertain significance for Inborn genetic diseases. Last evaluated: 2023-12-27. Review status: criteria provided, single submitter. Criteria: Ambry Variant Classification Scheme 2023. Collection method: clinical testing. Allele origin: germline.